The following is an entry in ClinVar:

ClinVar aggregate classification (germline): Pathogenic (1 of 4 stars; one submission).

Conditions:
Heterotaxy, visceral, 1, X-linked (HTX1). Also called: SITUS INVERSUS, COMPLEX CARDIAC DEFECTS, AND SPLENIC DEFECTS, X-LINKED; DEXTROCARDIA WITH OTHER CARDIAC MALFORMATIONS; Laterality, X-linked; Visceral heterotaxia. Identifiers: Orphanet 450, MedGen C1844020, MONDO:0010607, OMIM 306955.

Submission:

Labcorp Genetics (formerly Invitae), Labcorp
Classification: Pathogenic for Heterotaxy, visceral, 1, X-linked. Last evaluated: 2018-04-04. Review status: criteria provided, single submitter. Criteria: Invitae Variant Classification Sherloc (09022015). Collection method: clinical testing. Allele origin: germline.
Comment: This variant has not been reported in the literature in individuals with ZIC3-related disease. This variant is not present in population databases (ExAC no frequency). This sequence change creates a premature translational stop signal (p.Val179Glyfs*19) in the ZIC3 gene. It is expected to result in an absent or disrupted protein product. Loss-of-function variants in ZIC3 are known to be pathogenic (PMID: 24123890). For these reasons, this variant has been classified as Pathogenic.

Literature cited by the submitters: PubMed 24123890.

NM_003413.4(ZIC3):c.535dup (p.Val179fs)

Gene: ZIC3 (Zic family zinc finger 3; plus strand). Cytogenetic location: Xq26.3.
Variant type: Duplication.
Coding change: c.535dup on transcript NM_003413.4 (MANE Select); coding-DNA position 535, one base duplicated (G; older notation c.535dupG).
Protein change: p.Val179fs; shifts the reading frame from valine 179.
Molecular consequence: frameshift variant.
Genome position (GRCh38, 1-based): chrX:137,567,226, G duplicated. VCF-style (leftmost placement, unchanged base first): chrX-137567225-C-CG. GRCh37 (hg19) VCF-style: chrX-136649384-C-CG.
Other names: c.535dup, p.Val179fs (NM_001330661.1); c.535dupG (NM_003413.3); short protein forms V179fs.
Identifiers: ClinVar variation 570392 (VCV000570392.7), dbSNP rs1569345723, ClinGen allele CA891843753.